The following is an entry in ClinVar:

NM_003060.4(SLC22A5):c.1609A>G (p.Ser537Gly)

Gene: SLC22A5 (solute carrier family 22 member 5; plus strand). Cytogenetic location: 5q31.1.
Variant type: single nucleotide variant.
Coding change: c.1609A>G on transcript NM_003060.4 (MANE Select); coding-DNA position 1609, A replaced by G.
Protein change: p.Ser537Gly; replaces serine 537 with glycine.
Molecular consequence: missense variant.
Genome position (GRCh38, 1-based): chr5:132,394,207, A>G. VCF-style: chr5-132394207-A-G. GRCh37 (hg19) VCF-style: chr5-131729899-A-G.
Other names: p.Ser537Gly; c.1681A>G, p.Ser561Gly (NM_001308122.2); short protein forms S537G, S561G.
Identifiers: ClinVar variation 1707658 (VCV001707658.3), dbSNP rs1180267143, ClinGen allele CA360810196.

ClinVar aggregate classification (germline): Conflicting classifications of pathogenicity. Review status: criteria provided, conflicting classifications (1 of 4 stars). 2 submissions from 2 submitters: Uncertain significance (1); Likely benign (1). Last evaluated 2025-07-31.

Conditions:
Renal carnitine transport defect (CDSP). Also called: Systemic primary carnitine deficiency; Primary carnitine deficiency; Systemic primary carnitine deficiency disease; CARNITINE DEFICIENCY, SYSTEMIC, DUE TO DEFECT IN RENAL REABSORPTION OF CARNITINE; CARNITINE TRANSPORTER, PLASMA-MEMBRANE, DEFICIENCY OF; CARNITINE UPTAKE DEFECT. Identifiers: Orphanet 158, MedGen C0342788, MONDO:0008919, OMIM 212140.

Allele frequency attached by ClinVar (database versions not stated): gnomAD 0.00001.

Submissions (2):

Labcorp Genetics (formerly Invitae), Labcorp
Classification: Uncertain significance for Renal carnitine transport defect. Last evaluated: 2025-07-31. Review status: criteria provided, single submitter. Criteria: Invitae Variant Classification Sherloc (09022015). Collection method: clinical testing. Allele origin: germline.
Comment: This sequence change replaces serine, which is neutral and polar, with glycine, which is neutral and non-polar, at codon 537 of the SLC22A5 protein (p.Ser537Gly). This variant is present in population databases (no rsID available, gnomAD 0.1%). This variant has not been reported in the literature in individuals affected with SLC22A5-related conditions. ClinVar contains an entry for this variant (Variation ID: 1707658). Invitae Evidence Modeling of protein sequence and biophysical properties (such as structural, functional, and spatial information, amino acid conservation, physicochemical variation, residue mobility, and thermodynamic stability) indicates that this missense variant is not expected to disrupt SLC22A5 protein function with a negative predictive value of 95%. In summary, the available evidence is currently insufficient to determine the role of this variant in disease. Therefore, it has been classified as a Variant of Uncertain Significance.

Giacomini Lab, University of California, San Francisco
Classification: Likely benign for Renal carnitine transport defect. Last evaluated: 2022-10-03. Review status: criteria provided, single submitter. Criteria: ACMG Guidelines, 2015. Collection method: research, in vitro. Allele origin: germline, not applicable.